The following is an entry in ClinVar:

NM_000834.5(GRIN2B):c.2861G>A (p.Cys954Tyr)

Gene: GRIN2B (glutamate ionotropic receptor NMDA type subunit 2B; minus strand). Cytogenetic location: 12p13.1.
Variant type: single nucleotide variant.
Coding change: c.2861G>A on transcript NM_000834.5 (MANE Select); coding-DNA position 2861, G replaced by A.
Protein change: p.Cys954Tyr; replaces cysteine 954 with tyrosine.
Molecular consequence: missense variant.
Genome position (GRCh38, 1-based): chr12:13,564,377, C>T on the plus strand (G>A on the coding strand, the complement: GRIN2B is on the minus strand). VCF-style: chr12-13564377-C-T. GRCh37 (hg19) VCF-style: chr12-13717311-C-T.
Other names: short protein forms C954Y.
Identifiers: ClinVar variation 841423 (VCV000841423.8), dbSNP rs376328340, ClinGen allele CA6460971.

ClinVar aggregate classification (germline): Conflicting classifications of pathogenicity. Review status: criteria provided, conflicting classifications (1 of 4 stars). 3 submissions from 3 submitters: Uncertain significance (2); Benign (1). Last evaluated 2024-08-05.

Conditions:
Inborn genetic diseases. Identifiers: MedGen C0950123, MeSH D030342.
Intellectual developmental disorder, autosomal dominant 6, with or without seizures. Also called: Intellectual disability, autosomal dominant 6; GRIN2B-related developmental delay, intellectual disability and autism spectrum disorder. Identifiers: Orphanet 589547, MedGen C3151411, MONDO:0013509, OMIM 613970.
Developmental and epileptic encephalopathy, 27 (DEE27). Also called: GRIN2B-Related Neurodevelopmental Disorder; Epileptic encephalopathy, early infantile, 27. Identifiers: Orphanet 3451, MedGen C4015316, MONDO:0014505, OMIM 616139.

Allele frequency attached by ClinVar (database versions not stated): gnomAD 0.00003 and 0.00002; ESP Exome Variant Server 0.00008; gnomAD exomes below 0.00001; ExAC 0.00002; TOPMed 0.00002.
gnomAD v4.1: 5 of 1,614,104 alleles (0.00031%); highest among the groups gnomAD compares: African/African-American, 0.0027%; no homozygotes.

Submissions (3):

Labcorp Genetics (formerly Invitae), Labcorp
Classification: Benign for Developmental and epileptic encephalopathy, 27; Intellectual developmental disorder, autosomal dominant 6, with or without seizures. Last evaluated: 2024-08-05. Review status: criteria provided, single submitter. Criteria: Invitae Variant Classification Sherloc (09022015). Collection method: clinical testing. Allele origin: germline.

Ambry Genetics
Classification: Uncertain significance for Inborn genetic diseases. Last evaluated: 2022-09-06. Review status: criteria provided, single submitter. Criteria: Ambry Variant Classification Scheme 2023. Collection method: clinical testing. Allele origin: germline.

GeneDx
Classification: Uncertain significance. Last evaluated: 2019-08-22. Review status: criteria provided, single submitter. Criteria: GeneDx Variant Classification Process June 2021. Collection method: clinical testing. Allele origin: germline. Affected: yes.
Comment: In silico analysis, which includes protein predictors and evolutionary conservation, supports that this variant does not alter protein structure/function; Has not been previously published as pathogenic or benign to our knowledge